The following is an entry in ClinVar:

NM_000166.6(GJB1):c.512A>G (p.Tyr171Cys)

Gene: GJB1 (gap junction protein beta 1; plus strand). Cytogenetic location: Xq13.1.
Variant type: single nucleotide variant.
Coding change: c.512A>G on transcript NM_000166.6 (MANE Select); coding-DNA position 512, A replaced by G.
Protein change: p.Tyr171Cys; replaces tyrosine 171 with cysteine.
Molecular consequence: missense variant.
Genome position (GRCh38, 1-based): chrX:71,224,219, A>G. VCF-style: chrX-71224219-A-G. GRCh37 (hg19) VCF-style: chrX-70444069-A-G.
Other names: c.512A>G, p.Tyr171Cys (NM_001097642.3); short protein forms Y171C.
Identifiers: ClinVar variation 2100620 (VCV002100620.4), dbSNP rs777943697, ClinGen allele CA10445312.

ClinVar aggregate classification (germline): Uncertain significance (1 of 4 stars; one submission).

Conditions:
Charcot-Marie-Tooth Neuropathy X. Identifiers: MedGen CN118851.

Allele frequency attached by ClinVar (database versions not stated): gnomAD exomes below 0.00001; ExAC 0.00001.
gnomAD v4.1: 2 of 1,205,156 alleles (0.00017%); highest among the groups gnomAD compares: Admixed American, 0.0022%; no homozygotes.

Submission:

Labcorp Genetics (formerly Invitae), Labcorp
Classification: Uncertain significance for Charcot-Marie-Tooth Neuropathy X. Last evaluated: 2022-09-13. Review status: criteria provided, single submitter. Criteria: Invitae Variant Classification Sherloc (09022015). Collection method: clinical testing. Allele origin: germline.
Comment: This sequence change replaces tyrosine, which is neutral and polar, with cysteine, which is neutral and slightly polar, at codon 171 of the GJB1 protein (p.Tyr171Cys). This variant is present in population databases (rs777943697, gnomAD 0.004%). This missense change has been observed in individual(s) with clinical features of Charcot-Marie-Tooth disease (Invitae). Advanced modeling of protein sequence and biophysical properties (such as structural, functional, and spatial information, amino acid conservation, physicochemical variation, residue mobility, and thermodynamic stability) performed at Invitae indicates that this missense variant is not expected to disrupt GJB1 protein function. In summary, the available evidence is currently insufficient to determine the role of this variant in disease. Therefore, it has been classified as a Variant of Uncertain Significance.